The following is an entry in ClinVar:

ClinVar aggregate classification (germline): Uncertain significance (1 of 4 stars; one submission).

Conditions:
Chuvash polycythemia. Also called: POLYCYTHEMIA, VHL-DEPENDENT. Identifiers: Orphanet 238557, MedGen C1837915, MONDO:0009892, OMIM 263400.
Von Hippel-Lindau syndrome (VHLS). Also called: Von Hippel-Lindau; von Hippel–Lindau syndrome; VHL syndrome. Identifiers: Orphanet 892, MedGen C0019562, MONDO:0008667, OMIM 193300. Disease mechanism: loss of function.

Allele frequency attached by ClinVar (database versions not stated): TOPMed below 0.00001.

Submission:

Labcorp Genetics (formerly Invitae), Labcorp
Classification: Uncertain significance for Von Hippel-Lindau syndrome; Chuvash polycythemia. Last evaluated: 2023-02-07. Review status: criteria provided, single submitter. Criteria: Invitae Variant Classification Sherloc (09022015). Collection method: clinical testing. Allele origin: germline.
Comment: ClinVar contains an entry for this variant (Variation ID: 960801). Advanced modeling of protein sequence and biophysical properties (such as structural, functional, and spatial information, amino acid conservation, physicochemical variation, residue mobility, and thermodynamic stability) performed at Invitae indicates that this missense variant is not expected to disrupt VHL protein function. In summary, the available evidence is currently insufficient to determine the role of this variant in disease. Therefore, it has been classified as a Variant of Uncertain Significance. This sequence change replaces glutamic acid, which is acidic and polar, with lysine, which is basic and polar, at codon 199 of the VHL protein (p.Glu199Lys). This variant is not present in population databases (gnomAD no frequency). This variant has not been reported in the literature in individuals affected with VHL-related conditions.

NM_000551.4(VHL):c.595G>A (p.Glu199Lys)

Genes: VHL (von Hippel-Lindau tumor suppressor; plus strand), LOC107303340 (3p25 von Hippel-Lindau tumor suppressor, E3 ubiquitin protein ligase Alu-mediated recombination region; plus strand). Cytogenetic location: 3p25.3.
Variant type: single nucleotide variant.
Coding change: c.595G>A on transcript NM_000551.4 (MANE Select); coding-DNA position 595, G replaced by A.
Protein change: p.Glu199Lys; replaces glutamic acid 199 with lysine.
Molecular consequence: missense variant. On other transcripts: 3 prime UTR variant (1).
Genome position (GRCh38, 1-based): chr3:10,149,918, G>A. VCF-style: chr3-10149918-G-A. GRCh37 (hg19) VCF-style: chr3-10191602-G-A.
Other names: c.*149G>A (NM_001354723.2); c.472G>A, p.Glu158Lys (NM_198156.3); short protein forms E158K, E199K.
Identifiers: ClinVar variation 960801 (VCV000960801.10), dbSNP rs1325187978, ClinGen allele CA351756551.